The following is an entry in ClinVar:

NM_003922.4(HERC1):c.14551G>A (p.Val4851Met)

Gene: HERC1 (HECT and RLD domain containing E3 ubiquitin protein ligase family member 1; minus strand). Cytogenetic location: 15q22.31.
Variant type: single nucleotide variant.
Coding change: c.14551G>A on transcript NM_003922.4 (MANE Select); coding-DNA position 14551, G replaced by A.
Protein change: p.Val4851Met; replaces valine 4851 with methionine.
Molecular consequence: missense variant.
Genome position (GRCh38, 1-based): chr15:63,609,116, C>T on the plus strand (G>A on the coding strand, the complement: HERC1 is on the minus strand). VCF-style: chr15-63609116-C-T. GRCh37 (hg19) VCF-style: chr15-63901315-C-T.
Other names: c.14551G>A (NM_003922.3); short protein forms V4851M.
Identifiers: ClinVar variation 1972336 (VCV001972336.4), dbSNP rs748603472, ClinGen allele CA7603457.

ClinVar aggregate classification (germline): Uncertain significance. Review status: criteria provided, multiple submitters, no conflicts (2 of 4 stars). 2 submissions from 2 submitters: Uncertain significance (2). Last evaluated 2024-01-10.

Allele frequency attached by ClinVar (database versions not stated): TOPMed below 0.00001; ExAC 0.00001; gnomAD exomes 0.00001.
gnomAD v4.1: 13 of 1,613,878 alleles (0.00081%); highest among the groups gnomAD compares: East Asian, 0.0045%; no homozygotes.

Submissions (2):

GeneDx
Classification: Uncertain significance. Last evaluated: 2024-01-10. Review status: criteria provided, single submitter. Criteria: GeneDx Variant Classification Process June 2021. Collection method: clinical testing. Allele origin: germline. Affected: yes.
Comment: Not observed at significant frequency in large population cohorts (gnomAD); In silico analysis supports that this missense variant does not alter protein structure/function; Has not been previously published as pathogenic or benign to our knowledge

Labcorp Genetics (formerly Invitae), Labcorp
Classification: Uncertain significance. Last evaluated: 2023-08-10. Review status: criteria provided, single submitter. Criteria: Invitae Variant Classification Sherloc (09022015). Collection method: clinical testing. Allele origin: germline.
Comment: In summary, the available evidence is currently insufficient to determine the role of this variant in disease. Therefore, it has been classified as a Variant of Uncertain Significance. Advanced modeling of protein sequence and biophysical properties (such as structural, functional, and spatial information, amino acid conservation, physicochemical variation, residue mobility, and thermodynamic stability) performed at Invitae indicates that this missense variant is not expected to disrupt HERC1 protein function. ClinVar contains an entry for this variant (Variation ID: 1972336). This variant has not been reported in the literature in individuals affected with HERC1-related conditions. This variant is present in population databases (rs748603472, gnomAD 0.01%). This sequence change replaces valine, which is neutral and non-polar, with methionine, which is neutral and non-polar, at codon 4851 of the HERC1 protein (p.Val4851Met).